The following is an entry in ClinVar:

ClinVar aggregate classification (germline): Conflicting classifications of pathogenicity. Review status: criteria provided, conflicting classifications (1 of 4 stars). 2 submissions from 2 submitters: Uncertain significance (1); Likely benign (1). Last evaluated 2024-02-07.

Conditions:
Spastic paraplegia. Identifiers: MedGen C0037772, HP:0001258.
MASA syndrome. Also called: GAREIS-MASON SYNDROME; ADDUCTED THUMB WITH MENTAL RETARDATION; CLASPED THUMB AND MENTAL RETARDATION; MENTAL RETARDATION, APHASIA, SHUFFLING GAIT, AND ADDUCTED THUMBS; SPASTIC PARAPLEGIA 1, X-LINKED; MASA (Mental Retardation, Adducted Thumbs, Shuffling Gait, Aphasia) Syndrome, Including SPG1 (X-Linked Complicated Hereditary Spastic Paraplegia Type 1). Identifiers: Orphanet 2466, MedGen C0795953, MONDO:0010559, OMIM 303350.

Allele frequency attached by ClinVar (database versions not stated): ExAC 0.00002.
gnomAD v4.1: 22 of 1,210,246 alleles (0.0018%); highest among the groups gnomAD compares: South Asian, 0.012%; no homozygotes.

Submissions (2):

3billion
Classification: Uncertain significance for MASA syndrome. Last evaluated: 2024-02-07. Review status: criteria provided, single submitter. Criteria: ACMG Guidelines, 2015. Collection method: clinical testing. Allele origin: germline. Affected: yes.
Comment: The variant is observed at an extremely low frequency in the gnomAD v2.1.1 dataset (total allele frequency: 0.001%). Predicted Consequence/Location: Missense variant In silico tool predictions suggest damaging effect of the variant on gene or gene product [3Cnet: 0.82 (>=0.6, sensitivity 0.72 and precision 0.9)]. Therefore, this variant is classified as VUS according to the recommendation of ACMG/AMP guideline.

Labcorp Genetics (formerly Invitae), Labcorp
Classification: Likely benign for Spastic paraplegia. Last evaluated: 2023-10-04. Review status: criteria provided, single submitter. Criteria: Invitae Variant Classification Sherloc (09022015). Collection method: clinical testing. Allele origin: germline.

NM_001278116.2(L1CAM):c.1292C>T (p.Ala431Val)

Gene: L1CAM (L1 cell adhesion molecule; minus strand). Cytogenetic location: Xq28.
Variant type: single nucleotide variant.
Coding change: c.1292C>T on transcript NM_001278116.2 (MANE Select); coding-DNA position 1292, C replaced by T.
Protein change: p.Ala431Val; replaces alanine 431 with valine.
Molecular consequence: missense variant.
Genome position (GRCh38, 1-based): chrX:153,868,928, G>A on the plus strand (C>T on the coding strand, the complement: L1CAM is on the minus strand). VCF-style: chrX-153868928-G-A. GRCh37 (hg19) VCF-style: chrX-153134383-G-A.
Other names: c.1292C>T, p.Ala431Val (NM_000425.5, NM_024003.3); c.1277C>T, p.Ala426Val (NM_001143963.2); short protein forms A426V, A431V.
Identifiers: ClinVar variation 2737915 (VCV002737915.4), dbSNP rs782779421, ClinGen allele CA337262894.